The following is an entry in ClinVar:

ClinVar aggregate classification (germline): Pathogenic. Review status: reviewed by expert panel (3 of 4 stars). 3 submissions from 3 submitters: Pathogenic (1). 2 of the submissions do not count toward it. Last evaluated 2016-10-18.

Conditions:
Hereditary breast ovarian cancer syndrome. Also called: Hereditary breast and ovarian cancer syndrome (HBOC); Breast and ovarian cancer; Hereditary breast and ovarian cancer syndrome; Hereditary breast and ovarian cancer; BRCA1- and BRCA2-Associated Hereditary Breast and Ovarian Cancer; Hereditary breast and/or ovarian cancer syndrome. Identifiers: Orphanet 145, MedGen C0677776, MeSH D061325, MONDO:0003582. Disease mechanism: loss of function.
Breast-ovarian cancer, familial, susceptibility to, 1 (BROVCA1). Also called: BRCA1 Hereditary Breast and Ovarian Cancer; OVARIAN CANCER, SUSCEPTIBILITY TO. Identifiers: Orphanet 145, MedGen C2676676, MONDO:0011450, OMIM 604370. Disease mechanism: loss of function.

Submissions (3):

Evidence-based Network for the Interpretation of Germline Mutant Alleles (ENIGMA)
Classification: Pathogenic for Breast-ovarian cancer, familial, susceptibility to, 1. Last evaluated: 2016-10-18. Review status: reviewed by expert panel. Criteria: ENIGMA BRCA1/2 Classification Criteria (2015). Collection method: curation. Allele origin: germline.
Comment: Variant allele predicted to encode a truncated non-functional protein.

Consortium of Investigators of Modifiers of BRCA1/2 (CIMBA), c/o University of Cambridge
Classification: Pathogenic for Breast-ovarian cancer, familial, susceptibility to, 1. Last evaluated: 2015-10-02. Review status: criteria provided, single submitter. Criteria: CIMBA Mutation Classification guidelines May 2016. Collection method: clinical testing. Allele origin: germline. Not counted in ClinVar's aggregate classification.

Research Molecular Genetics Laboratory, Women's College Hospital, University of Toronto
Classification: Pathogenic for Hereditary breast ovarian cancer syndrome. Last evaluated: 2014-01-31. Review status: no assertion criteria provided. Collection method: research. Allele origin: germline. Affected: yes. Study: The Canadian Open Genetics Repository (COGR). Not counted in ClinVar's aggregate classification.

NM_007294.4(BRCA1):c.1222A>T (p.Lys408Ter)

Gene: BRCA1 (BRCA1 DNA repair associated; minus strand). Cytogenetic location: 17q21.31.
Variant type: single nucleotide variant.
Coding change: c.1222A>T on transcript NM_007294.4 (MANE Select); coding-DNA position 1222, A replaced by T.
Protein change: p.Lys408Ter; replaces lysine 408 with a stop codon.
Molecular consequence: nonsense. On other transcripts: intron variant (137).
Genome position (GRCh38, 1-based): chr17:43,094,309, T>A on the plus strand (A>T on the coding strand, the complement: BRCA1 is on the minus strand). VCF-style: chr17-43094309-T-A. GRCh37 (hg19) VCF-style: chr17-41246326-T-A.
Other names: K408X (1341A>T); c.1222A>T, p.Lys408Ter (NM_001407594.1, NM_001407596.1, NM_001407597.1 and 30 more transcripts); c.1219A>T, p.Lys407Ter (NM_001407610.1, NM_001407611.1, NM_001407627.1 and 22 more transcripts); c.1213A>T, p.Lys405Ter (NM_001407646.1, NM_001407647.1); c.1099A>T, p.Lys367Ter (NM_001407648.1, NM_001407664.1, NM_001407665.1 and 19 more transcripts); c.1096A>T, p.Lys366Ter (NM_001407649.1, NM_001407670.1, NM_001407671.1 and 11 more transcripts); c.1144A>T, p.Lys382Ter (NM_001407663.1, NM_001407653.1, NM_001407654.1 and 4 more transcripts); c.1081A>T, p.Lys361Ter (NM_001407727.1, NM_001407728.1, NM_001407729.1 and 29 more transcripts); and 41 more; short protein forms K408*, K361*, K280*, K297*, K366*, K407*, K296*, K340*.
Identifiers: ClinVar variation 266146 (VCV000266146.6), dbSNP rs80357253, ClinGen allele CA10589958.
Genomic context (GRCh38, chr17:43,094,309, plus strand): 5'-TCTCTGAAGAACCAGAATATTCATCTACCTCATTTAGAACGTCCAATACATCAGCTACTT[T>A]GGCATTTGATTCAGACTCCCCATCATGTGAGTCATCAGAACCTAACAGTTCATCACTTCT-3'